The following is an entry in ClinVar:

NM_000321.3(RB1):c.2060C>A (p.Thr687Asn)

Gene: RB1 (RB transcriptional corepressor 1; plus strand). Cytogenetic location: 13q14.2.
Variant type: single nucleotide variant.
Coding change: c.2060C>A on transcript NM_000321.3 (MANE Select); coding-DNA position 2060, C replaced by A.
Protein change: p.Thr687Asn; replaces threonine 687 with asparagine.
Molecular consequence: missense variant.
Genome position (GRCh38, 1-based): chr13:48,459,787, C>A. VCF-style: chr13-48459787-C-A. GRCh37 (hg19) VCF-style: chr13-49033923-C-A.
Other names: c.2060C>A, p.Thr687Asn (NM_001407165.1); short protein forms T687N.
Identifiers: ClinVar variation 3787283 (VCV003787283.1).

ClinVar aggregate classification (germline): Uncertain significance (1 of 4 stars; one submission).

Conditions:
Hereditary cancer-predisposing syndrome. Also called: Neoplastic Syndromes, Hereditary; Hereditary Cancer Syndrome; Tumor predisposition; Hereditary neoplastic syndrome. Identifiers: Orphanet 140162, MedGen C0027672, MeSH D009386, MONDO:0015356.

Submission:

Ambry Genetics
Classification: Uncertain significance for Hereditary cancer-predisposing syndrome. Last evaluated: 2025-02-04. Review status: criteria provided, single submitter. Criteria: Ambry Variant Classification Scheme 2023. Collection method: clinical testing. Allele origin: germline.
Comment: The p.T687N variant (also known as c.2060C>A), located in coding exon 20 of the RB1 gene, results from a C to A substitution at nucleotide position 2060. The threonine at codon 687 is replaced by asparagine, an amino acid with similar properties. This amino acid position is conserved. In addition, the in silico prediction for this alteration is inconclusive. Based on the available evidence, the clinical significance of this variant remains unclear.